The following is an entry in ClinVar:

ClinVar aggregate classification (germline): Pathogenic. Review status: criteria provided, multiple submitters, no conflicts (2 of 4 stars). 2 submissions from 2 submitters: Pathogenic (2). Last evaluated 2022-09-19.

Conditions:
Hereditary cancer-predisposing syndrome. Also called: Neoplastic Syndromes, Hereditary; Tumor predisposition; Hereditary Cancer Syndrome; Hereditary neoplastic syndrome. Identifiers: Orphanet 140162, MedGen C0027672, MeSH D009386, MONDO:0015356.
Breast-ovarian cancer, familial, susceptibility to, 1 (BROVCA1). Also called: BRCA1 Hereditary Breast and Ovarian Cancer; OVARIAN CANCER, SUSCEPTIBILITY TO. Identifiers: Orphanet 145, MedGen C2676676, MONDO:0011450, OMIM 604370. Disease mechanism: loss of function.

Submissions (2):

Color Diagnostics, LLC DBA Color Health
Classification: Pathogenic for Hereditary cancer-predisposing syndrome. Last evaluated: 2022-09-19. Review status: criteria provided, single submitter. Criteria: ACMG Guidelines, 2015. Collection method: clinical testing. Allele origin: germline.
Comment: This variant deletes 1 nucleotide in exon 10 of the BRCA1 gene, creating a frameshift and premature translation stop signal. This variant is expected to result in an absent or non-functional protein product. This variant has been reported in an individual affected with breast cancer (PMID: 33230308). This variant has not been identified in the general population by the Genome Aggregation Database (gnomAD). Loss of BRCA1 function is a known mechanism of disease. Based on the available evidence, this variant is classified as Pathogenic.

Institute of Genomics, University of Tartu
Classification: Pathogenic for Breast-ovarian cancer, familial, susceptibility to, 1. Last evaluated: 2020-01-01. Review status: criteria provided, single submitter. Criteria: ACMG Guidelines, 2015. Collection method: research. Allele origin: unknown. Inheritance: Autosomal dominant inheritance. Affected: yes. Observed: 1 heterozygote.
Comment: BRCA1 variant NM_007294.3:c.2178delT (p.Pro727Glnfs*9) causes a frameshift in exon 10 and creates a premature stop codon. The change is predicted to cause loss of normal protein function through nonsense-mediated decay of an mRNA due to the presence of a stop codon within the first ~90% of the coding region. Variant is likely to be associated with familial breast and ovarian cancer syndrome.

Literature cited by the submitters: PubMed 33230308 (cited by Color Diagnostics, LLC DBA Color Health).

NM_007294.4(BRCA1):c.2178del (p.Pro727fs)

Gene: BRCA1 (BRCA1 DNA repair associated; minus strand). Cytogenetic location: 17q21.31.
Variant type: Deletion.
Coding change: c.2178del on transcript NM_007294.4 (MANE Select); coding-DNA position 2178, one base deleted (T; older notation c.2178delT).
Protein change: p.Pro727fs; shifts the reading frame from proline 727.
Molecular consequence: frameshift variant. On other transcripts: intron variant (137).
Genome position (GRCh38, 1-based): chr17:43,093,353, A deleted on the plus strand (T on the coding strand, the reverse complement: BRCA1 is on the minus strand); the first of 2 consecutive A bases (chr17:43,093,353-43,093,354); deleting either gives the same sequence. VCF-style (leftmost placement, unchanged base first): chr17-43093352-GA-G. GRCh37 (hg19) VCF-style: chr17-41245369-GA-G.
Other names: c.664+1391del (NM_001408437.1, NM_001408436.1, NM_001408444.1 and 12 more transcripts); c.2178delT (NM_007294.3); c.1965del, p.Pro656fs (NM_001407571.1, NM_001407853.1, NM_001407894.1 and 9 more transcripts); c.2178del, p.Pro727fs (NM_001407581.1, NM_001407582.1, NM_001407583.1 and 30 more transcripts); c.2175del, p.Pro726fs (NM_001407587.1, NM_001407590.1, NM_001407591.1 and 22 more transcripts); c.2169del, p.Pro724fs (NM_001407646.1, NM_001407647.1); c.2055del, p.Pro686fs (NM_001407648.1, NM_001407664.1, NM_001407665.1 and 19 more transcripts); c.2052del, p.Pro685fs (NM_001407649.1, NM_001407670.1, NM_001407671.1 and 11 more transcripts); and 42 more; short protein forms P680fs, P727fs, P431fs, P679fs, P701fs, P726fs, P600fs, P616fs.
Identifiers: ClinVar variation 872895 (VCV000872895.6), dbSNP rs2053810963, ClinGen allele CA1139664782.